The following is an entry in ClinVar:

ClinVar aggregate classification (germline): Uncertain significance. Review status: criteria provided, multiple submitters, no conflicts (2 of 4 stars). 5 submissions from 5 submitters: Uncertain significance (5). Last evaluated 2026-08-06.

Conditions:
Autosomal recessive nonsyndromic hearing loss 97. Also called: Deafness, autosomal recessive 97. Identifiers: Orphanet 90636, MedGen C4084709, MONDO:0014739, OMIM 616705.
Hereditary cancer-predisposing syndrome. Also called: Tumor predisposition; Neoplastic Syndromes, Hereditary; Hereditary Cancer Syndrome; Hereditary neoplastic syndrome. Identifiers: Orphanet 140162, MedGen C0027672, MeSH D009386, MONDO:0015356.
Renal cell carcinoma. Identifiers: Orphanet 217071, MedGen C0007134, MeSH D002292, MONDO:0005086, HP:0005584.
Osteofibrous dysplasia (OSFD). Also called: Tibia, bowing of, with pseudarthrosis and pectus excavatum. Identifiers: Orphanet 488265, MedGen C4085248, MONDO:0011806, OMIM 607278.

Allele frequency attached by ClinVar (database versions not stated): gnomAD exomes below 0.00001 and 0.00001; gnomAD 0.00001; TOPMed 0.00002.
gnomAD v4.1: 11 of 1,613,932 alleles (0.00068%); highest among the groups gnomAD compares: Admixed American, 0.0017%; no homozygotes.

Submissions (5):

OLLIN Analises Genomicas, OLLIN
Classification: Uncertain significance for Osteofibrous dysplasia. Last evaluated: 2026-08-06. Review status: criteria provided, single submitter. Criteria: ACMG Guidelines 2015 PMID 25741868. Collection method: clinical testing. Allele origin: germline. Inheritance: Autosomal dominant inheritance.
Comment: This missense variant, located in exon 2 (of 21), has been reported in ClinVar (accession VCV000454242.14) and in gnomAD with an allele frequency of 0.00068%. However, to our knowledge, it has not been reported in the scientific literature. In silico analysis predicts that this variant has a tolerated effect. According to the currently available evidence, this variant has been classified as uncertain significance (BP4).

Labcorp Genetics (formerly Invitae), Labcorp
Classification: Uncertain significance for Renal cell carcinoma. Last evaluated: 2025-07-23. Review status: criteria provided, single submitter. Criteria: Invitae Variant Classification Sherloc (09022015). Collection method: clinical testing. Allele origin: germline.
Comment: This sequence change replaces alanine, which is neutral and non-polar, with valine, which is neutral and non-polar, at codon 119 of the MET protein (p.Ala119Val). This variant is present in population databases (no rsID available, gnomAD 0.0009%). This variant has not been reported in the literature in individuals affected with MET-related conditions. ClinVar contains an entry for this variant (Variation ID: 454242). Invitae Evidence Modeling of protein sequence and biophysical properties (such as structural, functional, and spatial information, amino acid conservation, physicochemical variation, residue mobility, and thermodynamic stability) indicates that this missense variant is not expected to disrupt MET protein function with a negative predictive value of 80%. In summary, the available evidence is currently insufficient to determine the role of this variant in disease. Therefore, it has been classified as a Variant of Uncertain Significance.

GeneDx
Classification: Uncertain significance. Last evaluated: 2025-03-27. Review status: criteria provided, single submitter. Criteria: GeneDx Variant Classification Process June 2021. Collection method: clinical testing. Allele origin: germline.
Comment: Not observed at significant frequency in large population cohorts (gnomAD); In silico analysis indicates that this missense variant does not alter protein structure/function; Has not been previously published as pathogenic or benign to our knowledge

Ambry Genetics
Classification: Uncertain significance for Hereditary cancer-predisposing syndrome. Last evaluated: 2024-11-14. Review status: criteria provided, single submitter. Criteria: Ambry Variant Classification Scheme 2023. Collection method: clinical testing. Allele origin: germline.
Comment: The p.A119V variant (also known as c.356C>T), located in coding exon 1 of the MET gene, results from a C to T substitution at nucleotide position 356. The alanine at codon 119 is replaced by valine, an amino acid with similar properties. This amino acid position is highly conserved in available vertebrate species. In addition, this alteration is predicted to be tolerated by in silico analysis. Since supporting evidence is limited at this time, the clinical significance of this alteration remains unclear.

Baylor Genetics
Classification: Uncertain significance for Autosomal recessive nonsyndromic hearing loss 97. Last evaluated: 2023-10-16. Review status: criteria provided, single submitter. Criteria: ACMG Guidelines, 2015. Collection method: clinical testing. Allele origin: unknown.

NM_000245.4(MET):c.356C>T (p.Ala119Val)

Gene: MET (MET proto-oncogene, receptor tyrosine kinase; plus strand). Cytogenetic location: 7q31.2.
Variant type: single nucleotide variant.
Coding change: c.356C>T on transcript NM_000245.4 (MANE Select); coding-DNA position 356, C replaced by T.
Protein change: p.Ala119Val; replaces alanine 119 with valine.
Molecular consequence: missense variant. On other transcripts: intron variant (1).
Genome position (GRCh38, 1-based): chr7:116,699,440, C>T. VCF-style: chr7-116699440-C-T. GRCh37 (hg19) VCF-style: chr7-116339494-C-T.
Other names: c.356C>T, p.Ala119Val (NM_001127500.3, NM_001324401.3); c.-91+26863C>T (NM_001324402.2); short protein forms A119V.
Identifiers: ClinVar variation 454242 (VCV000454242.16), dbSNP rs904162290, ClinGen allele CA164888254.